The following is an entry in ClinVar:

NM_002900.3(RBP3):c.1354G>A (p.Val452Ile)

Gene: RBP3 (retinol binding protein 3; plus strand). Cytogenetic location: 10q11.22.
Variant type: single nucleotide variant.
Coding change: c.1354G>A on transcript NM_002900.3 (MANE Select); coding-DNA position 1354, G replaced by A.
Protein change: p.Val452Ile; replaces valine 452 with isoleucine.
Molecular consequence: missense variant.
Genome position (GRCh38, 1-based): chr10:47,349,838, G>A. VCF-style: chr10-47349838-G-A. GRCh37 (hg19) VCF-style: chr10-48389524-C-T.
Other names: c.1354G>A (NM_002900.2); short protein forms V452I.
Identifiers: ClinVar variation 1369270 (VCV001369270.8), dbSNP rs782096661, ClinGen allele CA5487541.

ClinVar aggregate classification (germline): Uncertain significance. Review status: criteria provided, multiple submitters, no conflicts (2 of 4 stars). 3 submissions from 3 submitters: Uncertain significance (3). Last evaluated 2025-09-11.

Conditions:
Inborn genetic diseases. Identifiers: MedGen C0950123, MeSH D030342.

Allele frequency attached by ClinVar (database versions not stated): ExAC 0.00005; gnomAD 0.00005; gnomAD exomes 0.00006; TOPMed 0.00009.

Submissions (3):

Ambry Genetics
Classification: Uncertain significance for Inborn genetic diseases. Last evaluated: 2025-09-11. Review status: criteria provided, single submitter. Criteria: Ambry Variant Classification Scheme 2023. Collection method: clinical testing. Allele origin: germline.

Labcorp Genetics (formerly Invitae), Labcorp
Classification: Uncertain significance. Last evaluated: 2022-11-15. Review status: criteria provided, single submitter. Criteria: Invitae Variant Classification Sherloc (09022015). Collection method: clinical testing. Allele origin: germline.
Comment: This sequence change replaces valine, which is neutral and non-polar, with isoleucine, which is neutral and non-polar, at codon 452 of the RBP3 protein (p.Val452Ile). In summary, the available evidence is currently insufficient to determine the role of this variant in disease. Therefore, it has been classified as a Variant of Uncertain Significance. Algorithms developed to predict the effect of missense changes on protein structure and function output the following: SIFT: "Deleterious"; PolyPhen-2: "Possibly Damaging"; Align-GVGD: "Class C0". The isoleucine amino acid residue is found in multiple mammalian species, which suggests that this missense change does not adversely affect protein function. ClinVar contains an entry for this variant (Variation ID: 1369270). This variant has not been reported in the literature in individuals affected with RBP3-related conditions. This variant is present in population databases (rs782096661, gnomAD 0.03%).

Blueprint Genetics
Classification: Uncertain significance. Last evaluated: 2021-08-02. Review status: criteria provided, single submitter. Criteria: ACMG Guidelines, 2015. Collection method: clinical testing. Allele origin: germline.